The following is an entry in ClinVar:

ClinVar aggregate classification (germline): Uncertain significance (1 of 4 stars; one submission).

Conditions:
Hypoplastic left heart syndrome. Also called: Hypoplastic left heart; Hypoplastic left ventricle. Identifiers: Orphanet 2248, MedGen C0152101, MONDO:0004933, HP:0004383.

Submission:

Labcorp Genetics (formerly Invitae), Labcorp
Classification: Uncertain significance for Hypoplastic left heart syndrome. Last evaluated: 2025-12-17. Review status: criteria provided, single submitter. Criteria: Invitae Variant Classification Sherloc (09022015). Collection method: clinical testing. Allele origin: germline.
Comment: This sequence change replaces alanine, which is neutral and non-polar, with threonine, which is neutral and polar, at codon 64 of the HAND1 protein (p.Ala64Thr). This variant is not present in population databases (gnomAD no frequency). This variant has not been reported in the literature in individuals affected with HAND1-related conditions. An algorithm developed to predict the effect of missense changes on protein structure and function outputs the following: PolyPhen-2: "Benign". The threonine amino acid residue is found in multiple mammalian species, which suggests that this missense change does not adversely affect protein function. In summary, the available evidence is currently insufficient to determine the role of this variant in disease. Therefore, it has been classified as a Variant of Uncertain Significance.

NM_004821.3(HAND1):c.190G>A (p.Ala64Thr)

Gene: HAND1 (heart and neural crest derivatives expressed 1; minus strand). Cytogenetic location: 5q33.2.
Variant type: single nucleotide variant.
Coding change: c.190G>A on transcript NM_004821.3 (MANE Select); coding-DNA position 190, G replaced by A.
Protein change: p.Ala64Thr; replaces alanine 64 with threonine.
Molecular consequence: missense variant.
Genome position (GRCh38, 1-based): chr5:154,477,819, C>T on the plus strand (G>A on the coding strand, the complement: HAND1 is on the minus strand). VCF-style: chr5-154477819-C-T. GRCh37 (hg19) VCF-style: chr5-153857379-C-T.
Other names: short protein forms A64T.
Identifiers: ClinVar variation 4740796 (VCV004740796.1).